The following is an entry in ClinVar:

ClinVar aggregate classification (germline): Uncertain significance (1 of 4 stars; one submission).

gnomAD v4.1: 2 of 1,605,500 alleles (0.00012%); highest among the groups gnomAD compares: Non-Finnish European, 0.00017%; no homozygotes.

Submission:

Labcorp Genetics (formerly Invitae), Labcorp
Classification: Uncertain significance. Last evaluated: 2024-08-14. Review status: criteria provided, single submitter. Criteria: Invitae Variant Classification Sherloc (09022015). Collection method: clinical testing. Allele origin: germline.
Comment: This sequence change replaces threonine, which is neutral and polar, with methionine, which is neutral and non-polar, at codon 379 of the KIF11 protein (p.Thr379Met). This variant is not present in population databases (gnomAD no frequency). This variant has not been reported in the literature in individuals affected with KIF11-related conditions. Invitae Evidence Modeling of protein sequence and biophysical properties (such as structural, functional, and spatial information, amino acid conservation, physicochemical variation, residue mobility, and thermodynamic stability) indicates that this missense variant is not expected to disrupt KIF11 protein function with a negative predictive value of 80%. In summary, the available evidence is currently insufficient to determine the role of this variant in disease. Therefore, it has been classified as a Variant of Uncertain Significance.

NM_004523.4(KIF11):c.1136C>T (p.Thr379Met)

Gene: KIF11 (kinesin family member 11; plus strand). Cytogenetic location: 10q23.33.
Variant type: single nucleotide variant.
Coding change: c.1136C>T on transcript NM_004523.4 (MANE Select); coding-DNA position 1136, C replaced by T.
Protein change: p.Thr379Met; replaces threonine 379 with methionine.
Molecular consequence: missense variant.
Genome position (GRCh38, 1-based): chr10:92,621,392, C>T. VCF-style: chr10-92621392-C-T. GRCh37 (hg19) VCF-style: chr10-94381149-C-T.
Other names: short protein forms T379M.
Identifiers: ClinVar variation 3621919 (VCV003621919.2).